The following is an entry in ClinVar:

ClinVar aggregate classification (germline): Uncertain significance (1 of 4 stars; one submission).

Conditions:
Hyperuricemia, pulmonary hypertension, renal failure, alkalosis syndrome (HUPRAS). Also called: HYPERURICEMIA, PULMONARY HYPERTENSION, RENAL FAILURE, AND ALKALOSIS SYNDROME; HUPRA SYNDROME. Identifiers: Orphanet 363694, MedGen C3151209, MONDO:0013458, OMIM 613845.

Submission:

Juno Genomics, Hangzhou Juno Genomics, Inc
Classification: Uncertain significance for Hyperuricemia, pulmonary hypertension, renal failure, alkalosis syndrome. Review status: criteria provided, single submitter. Criteria: ACMG Guidelines, 2015. Collection method: clinical testing. Allele origin: germline.
Comment: Absent from controls (or at extremely low frequency if recessive) in Genome Aggregation Database.;Multiple lines of computational evidence support a deleterious effect on the gene or gene product.

NM_017827.4(SARS2):c.963-23C>A

Gene: SARS2 (seryl-tRNA synthetase 2, mitochondrial; minus strand). Cytogenetic location: 19q13.2.
Variant type: single nucleotide variant.
Coding change: c.963-23C>A on transcript NM_017827.4 (MANE Select); 23 bases into the intron before coding-DNA position 963, C replaced by A.
Molecular consequence: intron variant.
Genome position (GRCh38, 1-based): chr19:38,918,031, G>T on the plus strand (C>A on the coding strand, the complement: SARS2 is on the minus strand). VCF-style: chr19-38918031-G-T. GRCh37 (hg19) VCF-style: chr19-39408671-G-T.
Other names: c.969-23C>A (NM_001145901.2).
Identifiers: ClinVar variation 5018779 (VCV005018779.2).